The following is an entry in ClinVar:

ClinVar aggregate classification (germline): Uncertain significance (1 of 4 stars; one submission).

Conditions:
Hereditary cancer-predisposing syndrome. Also called: Hereditary Cancer Syndrome; Hereditary neoplastic syndrome; Neoplastic Syndromes, Hereditary; Tumor predisposition. Identifiers: Orphanet 140162, MedGen C0027672, MeSH D009386, MONDO:0015356.

Submission:

Ambry Genetics
Classification: Uncertain significance for Hereditary cancer-predisposing syndrome. Last evaluated: 2025-07-18. Review status: criteria provided, single submitter. Criteria: Ambry Variant Classification Scheme 2023. Collection method: clinical testing. Allele origin: germline.
Comment: The p.C617R variant (also known as c.1849T>C), located in coding exon 15 of the EGFR gene, results from a T to C substitution at nucleotide position 1849. The cysteine at codon 617 is replaced by arginine, an amino acid with highly dissimilar properties. This amino acid position is conserved. In addition, this alteration is predicted to be deleterious by in silico analysis. Based on the available evidence, the clinical significance of this variant remains unclear.

NM_005228.5(EGFR):c.1849T>C (p.Cys617Arg)

Gene: EGFR (epidermal growth factor receptor; plus strand). Cytogenetic location: 7p11.2.
Variant type: single nucleotide variant.
Coding change: c.1849T>C on transcript NM_005228.5 (MANE Select); coding-DNA position 1849, T replaced by C.
Protein change: p.Cys617Arg; replaces cysteine 617 with arginine.
Molecular consequence: missense variant.
Genome position (GRCh38, 1-based): chr7:55,165,406, T>C. VCF-style: chr7-55165406-T-C. GRCh37 (hg19) VCF-style: chr7-55233099-T-C.
Other names: c.1714T>C, p.Cys572Arg (NM_001346897.2, NM_001346899.2); c.1849T>C, p.Cys617Arg (NM_001346898.2, NM_201282.2, NM_201284.2); c.1690T>C, p.Cys564Arg (NM_001346900.2); c.1048T>C, p.Cys350Arg (NM_001346941.2); short protein forms C564R, C350R, C572R, C617R.
Identifiers: ClinVar variation 4247310 (VCV004247310.1).
Genomic context (GRCh38, chr7:55,165,406, plus strand): 5'-GCAGGAGTCATGGGAGAAAACAACACCCTGGTCTGGAAGTACGCAGACGCCGGCCATGTG[T>C]GCCACCTGTGCCATCCAAACTGCACCTACGGGTGAGTGGAAAGTGAAGGAGAACAGAACA-3'
Protein context (NP_005219.2, residues 607-627): VWKYADAGHV[Cys617Arg]HLCHPNCTYG